The following is an entry in ClinVar:

ClinVar aggregate classification (germline): Uncertain significance (1 of 4 stars; one submission).

Conditions:
Glycine encephalopathy. Also called: Nonketotic hyperglycinemia; Non-ketotic hyperglycinemia. Identifiers: Orphanet 407, MedGen C0751748, MONDO:0011612, HP:0008288.

Allele frequency attached by ClinVar (database versions not stated): gnomAD exomes below 0.00001.
gnomAD v4.1: 2 of 1,613,582 alleles (0.00012%); highest among the groups gnomAD compares: East Asian, 0.0022%; no homozygotes.

Submission:

Labcorp Genetics (formerly Invitae), Labcorp
Classification: Uncertain significance for Glycine encephalopathy. Last evaluated: 2022-08-08. Review status: criteria provided, single submitter. Criteria: Invitae Variant Classification Sherloc (09022015). Collection method: clinical testing. Allele origin: germline.
Comment: This sequence change replaces methionine, which is neutral and non-polar, with isoleucine, which is neutral and non-polar, at codon 696 of the GLDC protein (p.Met696Ile). This variant is present in population databases (no rsID available, gnomAD 0.006%). This variant has not been reported in the literature in individuals affected with GLDC-related conditions. Advanced modeling of protein sequence and biophysical properties (such as structural, functional, and spatial information, amino acid conservation, physicochemical variation, residue mobility, and thermodynamic stability) performed at Invitae indicates that this missense variant is expected to disrupt GLDC protein function. In summary, the available evidence is currently insufficient to determine the role of this variant in disease. Therefore, it has been classified as a Variant of Uncertain Significance.

NM_000170.3(GLDC):c.2088G>A (p.Met696Ile)

Gene: GLDC (glycine decarboxylase; minus strand). Cytogenetic location: 9p24.1.
Variant type: single nucleotide variant.
Coding change: c.2088G>A on transcript NM_000170.3 (MANE Select); coding-DNA position 2088, G replaced by A.
Protein change: p.Met696Ile; replaces methionine 696 with isoleucine.
Molecular consequence: missense variant.
Genome position (GRCh38, 1-based): chr9:6,556,267, C>T on the plus strand (G>A on the coding strand, the complement: GLDC is on the minus strand). VCF-style: chr9-6556267-C-T. GRCh37 (hg19) VCF-style: chr9-6556267-C-T.
Other names: short protein forms M696I.
Identifiers: ClinVar variation 1996684 (VCV001996684.4), dbSNP rs1268958687, ClinGen allele CA372881400.
Genomic context (GRCh38, chr9:6,556,267, plus strand): 5'-GAGGTCACACACGTCACTGATGTTCTCTTCAAACACCCCATTGGTGGATGGGTATGTAAT[C>T]ATGATAGCTGCTAGGTTCTCCTTGTGCTTATCCACCTGTGAAAGAAAAGGGGTAGAGAAG-3'
Protein context (NP_000161.2, residues 686-706): DKHKENLAAI[Met696Ile]ITYPSTNGVF